The following is an entry in ClinVar:

NM_016277.5(RAB23):c.551C>T (p.Thr184Met)

Gene: RAB23 (RAB23, member RAS oncogene family; minus strand). Cytogenetic location: 6p12.1.
Variant type: single nucleotide variant.
Coding change: c.551C>T on transcript NM_016277.5 (MANE Select); coding-DNA position 551, C replaced by T.
Protein change: p.Thr184Met; replaces threonine 184 with methionine.
Molecular consequence: missense variant. On other transcripts: non-coding transcript variant (1).
Genome position (GRCh38, 1-based): chr6:57,193,865, G>A on the plus strand (C>T on the coding strand, the complement: RAB23 is on the minus strand). VCF-style: chr6-57193865-G-A. GRCh37 (hg19) VCF-style: chr6-57058663-G-A.
Other names: c.551C>T, p.Thr184Met (NM_001278666.2, NM_001278667.2, NM_001278668.2 and 1 more transcripts); c.551C>T (NM_183227.1, NM_183227.2); short protein forms T184M.
Identifiers: ClinVar variation 1098967 (VCV001098967.16), dbSNP rs140295281, ClinGen allele CA3873779.
Genomic context (GRCh38, chr6:57,193,865, plus strand): 5'-CCAAGTAAACATGGGCTAAAATTTCCTATGTACTTACCAATCTTGTTACTACTTGAATGC[G>A]TTAGTTCTGGATCCTCAGCTATTTGTTGTTTGAGTTTCTGAAGGTATTTTTCAGCCAAAT-3'
Protein context (NP_057361.3, residues 174-194): KQQIAEDPEL[Thr184Met]HSSSNKIGVF

ClinVar aggregate classification (germline): Conflicting classifications of pathogenicity. Review status: criteria provided, conflicting classifications (1 of 4 stars). 6 submissions from 6 submitters: Uncertain significance (1); Likely benign (4). 1 of the submissions does not count toward it. Last evaluated 2026-08-05.

Conditions:
RAB23-related disorder. Also called: RAB23-related condition.
Inborn genetic diseases. Identifiers: MedGen C0950123, MeSH D030342.
RAB23-related Carpenter syndrome. Also called: ACPS II; Carpenter syndrome 1. Identifiers: Orphanet 65759, MedGen C4551510, MONDO:0008710, OMIM 201000.
Carpenter syndrome. Identifiers: Orphanet 65759, MedGen C1275078, MONDO:0019012.

Allele frequency attached by ClinVar (database versions not stated): 1000 Genomes Project 30x 0.00016; 1000 Genomes Project 0.00020; ESP Exome Variant Server 0.00023.

Submissions (6):

PreventionGenetics, part of Exact Sciences
Classification: Uncertain significance for RAB23-related condition. Last evaluated: 2026-08-05. Review status: criteria provided, single submitter. Criteria: ACMG Guidelines, 2015. Collection method: clinical testing. Allele origin: germline.
Comment: The RAB23 c.551C>T variant is predicted to result in the amino acid substitution p.Thr184Met. To our knowledge, this variant has not been reported in the literature. This variant is reported in 0.060% of alleles in individuals of East Asian descent in gnomAD, which is likely too common for an undocumented disease-causing variant. Although we suspect this variant may be benign, at this time its clinical significance is uncertain due to the absence of conclusive functional and genetic evidence.

Labcorp Genetics (formerly Invitae), Labcorp
Classification: Likely benign for Carpenter syndrome. Last evaluated: 2026-01-14. Review status: criteria provided, single submitter. Criteria: Invitae Variant Classification Sherloc (09022015). Collection method: clinical testing. Allele origin: germline.

Ambry Genetics
Classification: Likely benign for Inborn genetic diseases. Last evaluated: 2025-02-14. Review status: criteria provided, single submitter. Criteria: Ambry Variant Classification Scheme 2023. Collection method: clinical testing. Allele origin: germline.

Blueprint Genetics
Classification: Likely benign. Last evaluated: 2024-03-18. Review status: criteria provided, single submitter. Criteria: ACMG Guidelines, 2015. Collection method: clinical testing. Allele origin: germline.

Breakthrough Genomics
Classification: Likely benign. Review status: criteria provided, single submitter. Criteria: ACMG Guidelines, 2015. Collection method: not provided. Allele origin: germline. Inheritance: Autosomal recessive inheritance. Affected: yes.

Natera, Inc.
Classification: Likely benign for Carpenter syndrome 1. Last evaluated: 2019-10-24. Review status: no assertion criteria provided. Collection method: clinical testing. Allele origin: germline. Not counted in ClinVar's aggregate classification.